The following is an entry in ClinVar:

NM_003579.4(RAD54L):c.403G>T (p.Asp135Tyr)

Gene: RAD54L (RAD54 like; plus strand). Cytogenetic location: 1p34.1.
Variant type: single nucleotide variant.
Coding change: c.403G>T on transcript NM_003579.4 (MANE Select); coding-DNA position 403, G replaced by T.
Protein change: p.Asp135Tyr; replaces aspartic acid 135 with tyrosine.
Molecular consequence: missense variant. On other transcripts: 5 prime UTR variant (1).
Genome position (GRCh38, 1-based): chr1:46,260,095, G>T. VCF-style: chr1-46260095-G-T. GRCh37 (hg19) VCF-style: chr1-46725767-G-T.
Other names: c.403G>T, p.Asp135Tyr (NM_001142548.2); c.-138G>T (NM_001370766.1); short protein forms D135Y.
Identifiers: ClinVar variation 1737276 (VCV001737276.2), dbSNP rs572755210, ClinGen allele CA340182864.
Genomic context (GRCh38, chr1:46,260,095, plus strand): 5'-AAAGATGCCTTGGTTCTGTATGAGCCTCCCCCGCTGAGCGCTCATGACCAGCTGAAGCTT[G>T]ACAAGTATGTGCACTGGTATTTCATAAGCAGTTTTGGTTCTCTGTATATGCACGCATACT-3'
Protein context (NP_003570.2, residues 125-145): PLSAHDQLKL[Asp135Tyr]KEKLPVHVVV

ClinVar aggregate classification (germline): Uncertain significance (1 of 4 stars; one submission).

gnomAD v4.1: 2 of 1,614,222 alleles (0.00012%); highest among the groups gnomAD compares: Admixed American, 0.0033%; no homozygotes.

Submission:

Ambry Genetics
Classification: Uncertain significance. Last evaluated: 2022-08-13. Review status: criteria provided, single submitter. Criteria: Ambry Variant Classification Scheme 2023. Collection method: clinical testing. Allele origin: germline.
Comment: The p.D135Y variant (also known as c.403G>T), located in coding exon 5 of the RAD54L gene, results from a G to T substitution at nucleotide position 403. The aspartic acid at codon 135 is replaced by tyrosine, an amino acid with highly dissimilar properties. This amino acid position is conserved. In addition, this alteration is predicted to be deleterious by in silico analysis. Since supporting evidence is limited at this time, the clinical significance of this alteration remains unclear.